The following is an entry in ClinVar:

ClinVar aggregate classification (germline): Uncertain significance (1 of 4 stars; one submission).

Conditions:
Combined immunodeficiency due to LRBA deficiency. Also called: Common variable immunodeficiency 8, with autoimmunity. Identifiers: Orphanet 445018, MedGen C3553512, MONDO:0013863, OMIM 614700.

Submission:

Labcorp Genetics (formerly Invitae), Labcorp
Classification: Uncertain significance for Combined immunodeficiency due to LRBA deficiency. Last evaluated: 2024-11-08. Review status: criteria provided, single submitter. Criteria: Invitae Variant Classification Sherloc (09022015). Collection method: clinical testing. Allele origin: germline.
Comment: This sequence change replaces aspartic acid, which is acidic and polar, with asparagine, which is neutral and polar, at codon 1491 of the LRBA protein (p.Asp1491Asn). This variant is present in population databases (rs748560016, gnomAD 0.006%). This variant has not been reported in the literature in individuals affected with LRBA-related conditions. Invitae Evidence Modeling of protein sequence and biophysical properties (such as structural, functional, and spatial information, amino acid conservation, physicochemical variation, residue mobility, and thermodynamic stability) has been performed for this missense variant. However, the output from this modeling did not meet the statistical confidence thresholds required to predict the impact of this variant on LRBA protein function. In summary, the available evidence is currently insufficient to determine the role of this variant in disease. Therefore, it has been classified as a Variant of Uncertain Significance.

NM_001364905.1(LRBA):c.4471G>A (p.Asp1491Asn)

Gene: LRBA (LPS responsive beige-like anchor protein; minus strand). Cytogenetic location: 4q31.3.
Variant type: single nucleotide variant.
Coding change: c.4471G>A on transcript NM_001364905.1 (MANE Select); coding-DNA position 4471, G replaced by A.
Protein change: p.Asp1491Asn; replaces aspartic acid 1491 with asparagine.
Molecular consequence: missense variant.
Genome position (GRCh38, 1-based): chr4:150,844,198, C>T on the plus strand (G>A on the coding strand, the complement: LRBA is on the minus strand). VCF-style: chr4-150844198-C-T. GRCh37 (hg19) VCF-style: chr4-151765350-C-T.
Other names: c.4471G>A, p.Asp1491Asn (NM_001199282.3, NM_001367550.1, NM_006726.5); short protein forms D1491N.
Identifiers: ClinVar variation 3720061 (VCV003720061.2).